The following is an entry in ClinVar:

NM_170665.4(ATP2A2):c.2058del (p.Ile686fs)

Genes: ATP2A2 (ATPase sarcoplasmic/endoplasmic reticulum Ca2+ transporting 2; plus strand), LOC126861637 (MED14-independent group 3 enhancer GRCh37_chr12:110778306-110779505; plus strand). Cytogenetic location: 12q24.11.
Variant type: Deletion.
Coding change: c.2058del on transcript NM_170665.4 (MANE Select); coding-DNA position 2058, one base deleted (C; older notation c.2058delC).
Protein change: p.Ile686fs; shifts the reading frame from isoleucine 686.
Molecular consequence: frameshift variant.
Genome position (GRCh38, 1-based): chr12:110,340,955, C deleted. VCF-style (leftmost placement, unchanged base first): chr12-110340954-TC-T. GRCh37 (hg19) VCF-style: chr12-110778759-TC-T.
Other names: c.2058del, p.Ile686fs (NM_001681.4); short protein forms I686fs.
Identifiers: ClinVar variation 280355 (VCV000280355.2), dbSNP rs886041576, ClinGen allele CA10603225.
Genomic context (GRCh38, chr12:110,340,954, plus strand): 5'-GAGACGCCTGCCTGAACGCCCGCTGTTTTGCTCGAGTTGAACCCTCCCACAAGTCTAAAA[TC>T]GTAGAATTTCTTCAGTCTTTTGATGAGATTACAGCTATGGTGAGCATGTTTGAACATGTA-3'

ClinVar aggregate classification (germline): Pathogenic (1 of 4 stars; one submission).

Submission:

GeneDx
Classification: Pathogenic. Last evaluated: 2016-02-15. Review status: criteria provided, single submitter. Criteria: GeneDx Variant Classification (06012015). Collection method: clinical testing. Allele origin: germline. Affected: yes.
Comment: The c.2058delC pathogenic variant in the ATP2A2 gene causes a frameshift starting with codon Isoleucine 686, changes this amino acid to a Methionine residue and creates a premature Stop codon at position 2 of the new reading frame, denoted p.Ile686MetfsX2. This pathogenic variant is predicted to cause loss of normal protein function either through protein truncation or nonsense-mediated mRNA decay. In addition, c.2058delC was not observed in approximately 6,500 individuals of European and African American ancestry in the NHLBI Exome Sequencing Project, indicating it is not a common benign variant in these populations. Although this variant has not been previously reported to our knowledge, we consider it to be pathogenic.